The following is an entry in ClinVar:

ClinVar aggregate classification (germline): Uncertain significance (1 of 4 stars; one submission).

Conditions:
Hereditary spastic paraplegia 11. Also called: SPASTIC PARAPLEGIA, AUTOSOMAL RECESSIVE, COMPLICATED, WITH THIN CORPUS CALLOSUM; SPASTIC PARAPLEGIA, AUTOSOMAL RECESSIVE, WITH MENTAL IMPAIRMENT AND THIN CORPUS CALLOSUM; Spastic paraplegia, mental retardation and thin corpus callosum; Nakamura Osame syndrome; Autosomal recessive hereditary spastic paraplegia, mental impairment, and thin corpus callosum; Spastic Paraplegia 11. Identifiers: Orphanet 2822, MedGen C1858479, MONDO:0011445, OMIM 604360.

Submission:

OLLIN Analises Genomicas, OLLIN
Classification: Uncertain significance for Hereditary spastic paraplegia 11. Last evaluated: 2026-08-06. Review status: criteria provided, single submitter. Criteria: ACMG Guidelines 2015 PMID 25741868. Collection method: clinical testing. Allele origin: germline.
Comment: This missense variant, located in exon 24 (of 40), is absent from gnomAD and ClinVar and has not been identified in the literature. In silico analysis is inconclusive regarding the impact of this variant. According to the currently available evidence, this variant has been classified as uncertain significance (PM2_P).

NM_025137.4(SPG11):c.4160A>C (p.Glu1387Ala)

Gene: SPG11 (SPG11 vesicle trafficking associated, spatacsin; minus strand). Cytogenetic location: 15q21.1.
Variant type: single nucleotide variant.
Coding change: c.4160A>C on transcript NM_025137.4 (MANE Select); coding-DNA position 4160, A replaced by C.
Protein change: p.Glu1387Ala; replaces glutamic acid 1387 with alanine.
Molecular consequence: missense variant.
Genome position (GRCh38, 1-based): chr15:44,596,785, T>G on the plus strand (A>C on the coding strand, the complement: SPG11 is on the minus strand). VCF-style: chr15-44596785-T-G. GRCh37 (hg19) VCF-style: chr15-44888983-T-G.
Other names: c.4160A>C, p.Glu1387Ala (NM_001160227.2, NM_001411132.1); short protein forms E1387A.
Identifiers: ClinVar variation 5002701 (VCV005002701.1).